The following is an entry in ClinVar:

ClinVar aggregate classification (germline): Conflicting classifications of pathogenicity. Review status: criteria provided, conflicting classifications (1 of 4 stars). 7 submissions from 7 submitters: Likely pathogenic (1); Uncertain significance (6). Last evaluated 2025-06-03.

Conditions:
Anemia, congenital dyserythropoietic, type 1a (CDAN1A). Also called: CDAN1-Related Congenital Dyserythropoietic Anemia; DYSERYTHROPOIETIC ANEMIA, CONGENITAL, TYPE Ia. Identifiers: MedGen C5574667, MONDO:0009135, OMIM 224120.
CDAN1-related disorder. Also called: CDAN1-related condition.

Allele frequency attached by ClinVar (database versions not stated): gnomAD exomes 0.00004; ExAC 0.00006; TOPMed 0.00011; gnomAD 0.00013; ESP Exome Variant Server 0.00023.
gnomAD v4.1: 75 of 1,611,882 alleles (0.0047%); highest among the groups gnomAD compares: African/African-American, 0.015%; no homozygotes.

Submissions (7):

Mayo Clinic Laboratories, Mayo Clinic
Classification: Uncertain significance. Last evaluated: 2025-06-03. Review status: criteria provided, single submitter. Criteria: ACMG Guidelines, 2015. Collection method: clinical testing. Allele origin: germline. Observed: 1 variant allele.
Comment: PM2_supporting, PM3

Revvity Omics, Revvity
Classification: Uncertain significance for Anemia, congenital dyserythropoietic, type 1a. Last evaluated: 2024-10-18. Review status: criteria provided, single submitter. Criteria: ACMG Guidelines, 2015. Collection method: clinical testing. Allele origin: germline.

St. Jude Molecular Pathology, St. Jude Children's Research Hospital
Classification: Uncertain significance for Anemia, congenital dyserythropoietic, type 1a. Last evaluated: 2024-05-29. Review status: criteria provided, single submitter. Criteria: St. Jude Assertion Criteria 2020. Collection method: clinical testing. Allele origin: germline.
Comment: The CDAN1 c.2029C>T (p.Arg677Trp) missense change has a maximum subpopulation frequency of 0.011% in gnomAD v2.1.1. The in silico tool REVEL is inconclusive about a pathogenic or benign effect of this variant on protein function, and to our knowledge, functional studies have not been performed. This variant has been reported in the compound heterozygote state with V140fs in one individual with congenital dyserythropoietic anemia (PMID: 29031773). In summary, the evidence currently available is insufficient to determine the clinical significance of this variant. It has therefore been classified as of uncertain significance.

Blueprint Genetics
Classification: Likely pathogenic for CDAN1-related disorders. Last evaluated: 2023-10-27. Review status: criteria provided, single submitter. Criteria: ACMG Guidelines, 2015. Collection method: clinical testing. Allele origin: germline. Affected: yes. Observed: 5 variant alleles.

Women's Health and Genetics/Laboratory Corporation of America, LabCorp
Classification: Uncertain significance. Last evaluated: 2023-05-23. Review status: criteria provided, single submitter. Criteria: LabCorp Variant Classification Summary - May 2015. Collection method: clinical testing. Allele origin: germline.
Comment: Variant summary: CDAN1 c.2029C>T (p.Arg677Trp) results in a non-conservative amino acid change in the encoded protein sequence. Three of five in-silico tools predict a damaging effect of the variant on protein function. The variant allele was found at a frequency of 5e-05 in 240710 control chromosomes (gnomAD). c.2029C>T has been reported in the literature in an individual affected with Congenital dyserythropoietic anemia (Wang_2018), and this patient was reported as compound heterozygous with a truncating variant. These data do not allow any conclusion about variant significance. To our knowledge, no experimental evidence demonstrating an impact on protein function has been reported. The following publication have been ascertained in the context of this evaluation (PMID: 29031773). Two clinical diagnostic laboratories have submitted clinical-significance assessments for this variant to ClinVar after 2014, and classified it as uncertain significance. Based on the evidence outlined above, the variant was classified as uncertain significance.

Institute of Human Genetics, University of Leipzig Medical Center
Classification: Uncertain significance for Anemia, congenital dyserythropoietic, type 1a. Last evaluated: 2022-09-20. Review status: criteria provided, single submitter. Criteria: ACMG Guidelines, 2015. Collection method: clinical testing. Allele origin: paternal. Affected: yes.
Comment: This variant was identified as compound heterozygous with NM_138477.4:c.2110G>A._x000D_ Criteria applied: PP3, PM2_SUP, PM3_SUP

Juno Genomics, Hangzhou Juno Genomics, Inc
Classification: Uncertain significance for Anemia, congenital dyserythropoietic, type 1a. Review status: criteria provided, single submitter. Criteria: ACMG Guidelines, 2015. Collection method: clinical testing. Allele origin: germline.
Comment: Absent from controls (or at extremely low frequency if recessive) in Genome Aggregation Database.

Literature cited by the submitters: PubMed 29031773 (cited by Mayo Clinic Laboratories, Mayo Clinic and Women's Health and Genetics/Laboratory Corporation of America, LabCorp).

NM_138477.4(CDAN1):c.2029C>T (p.Arg677Trp)

Gene: CDAN1 (codanin 1; minus strand). Cytogenetic location: 15q15.2.
Variant type: single nucleotide variant.
Coding change: c.2029C>T on transcript NM_138477.4 (MANE Select); coding-DNA position 2029, C replaced by T.
Protein change: p.Arg677Trp; replaces arginine 677 with tryptophan.
Molecular consequence: missense variant.
Genome position (GRCh38, 1-based): chr15:42,730,743, G>A on the plus strand (C>T on the coding strand, the complement: CDAN1 is on the minus strand). VCF-style: chr15-42730743-G-A. GRCh37 (hg19) VCF-style: chr15-43022941-G-A.
Other names: p.Arg677Trp; c.2029C>T (NM_138477.2); short protein forms R677W.
Identifiers: ClinVar variation 1707539 (VCV001707539.10), dbSNP rs200617228, ClinGen allele CA7515843.
Genomic context (GRCh38, chr15:42,730,743, plus strand): 5'-CCAGCCAGGGCACGGTGAGCACCGCCCGGCGGGCCTGCAGCCCTCGCTGCAGCAGAGTCC[G>A]CACATCCAGGACCGGAGGGACCTGGGAGGGCCAGAGCTCAGTCAGGGGGCAGGTCCCTAG-3'
Protein context (NP_612486.2, residues 667-687): RSQVPPVLDV[Arg677Trp]TLLQRGLQAR